The following is an entry in ClinVar:

ClinVar aggregate classification (germline): Uncertain significance. Review status: criteria provided, multiple submitters, no conflicts (2 of 4 stars). 5 submissions from 5 submitters: Uncertain significance (5). Last evaluated 2025-12-02.

Conditions:
Pheochromocytoma. Also called: MAX-Related Hereditary Paraganglioma-Pheochromocytoma Syndrome. Identifiers: Orphanet 29072, MedGen C0031511, MONDO:0008233, OMIM 171300, HP:0002666.
Hereditary cancer-predisposing syndrome. Also called: Tumor predisposition; Hereditary Cancer Syndrome; Hereditary neoplastic syndrome; Neoplastic Syndromes, Hereditary. Identifiers: Orphanet 140162, MedGen C0027672, MeSH D009386, MONDO:0015356.
Hereditary pheochromocytoma and paraganglioma. Also called: Hereditary paragangliomas and pheochromocytomas; Hereditary pheochromocytoma-paraganglioma; Hereditary Paraganglioma-Pheochromocytoma Syndromes. Identifiers: Orphanet 29072, MedGen C4274332, MONDO:0017366.

Allele frequency attached by ClinVar (database versions not stated): gnomAD 0.00001; ExAC 0.00002; gnomAD exomes 0.00002; TOPMed 0.00004.
gnomAD v4.1: 16 of 1,601,904 alleles (0.001%); highest among the groups gnomAD compares: Middle Eastern, 0.033%; no homozygotes.

Submissions (5):

Labcorp Genetics (formerly Invitae), Labcorp
Classification: Uncertain significance for Hereditary pheochromocytoma and paraganglioma. Last evaluated: 2025-12-02. Review status: criteria provided, single submitter. Criteria: Invitae Variant Classification Sherloc (09022015). Collection method: clinical testing. Allele origin: germline.
Comment: This sequence change replaces alanine, which is neutral and non-polar, with serine, which is neutral and polar, at codon 52 of the TMEM127 protein (p.Ala52Ser). The frequency data for this variant in the population databases is considered unreliable, as metrics indicate poor data quality at this position in the gnomAD database. This missense change has been observed in individual(s) with paraganglioma (PMID: 33051659). ClinVar contains an entry for this variant (Variation ID: 649518). An algorithm developed to predict the effect of missense changes on protein structure and function (PolyPhen-2) suggests that this variant is likely to be tolerated. In summary, the available evidence is currently insufficient to determine the role of this variant in disease. Therefore, it has been classified as a Variant of Uncertain Significance.

Ambry Genetics
Classification: Uncertain significance for Hereditary cancer-predisposing syndrome. Last evaluated: 2025-03-29. Review status: criteria provided, single submitter. Criteria: Ambry Variant Classification Scheme 2023. Collection method: clinical testing. Allele origin: germline.
Comment: The p.A52S variant (also known as c.154G>T), located in coding exon 1 of the TMEM127 gene, results from a G to T substitution at nucleotide position 154. The alanine at codon 52 is replaced by serine, an amino acid with similar properties. This amino acid position is highly conserved in available vertebrate species. In addition, the in silico prediction for this alteration is inconclusive. Since supporting evidence is limited at this time, the clinical significance of this alteration remains unclear.

GeneDx
Classification: Uncertain significance. Last evaluated: 2023-12-01. Review status: criteria provided, single submitter. Criteria: GeneDx Variant Classification Process June 2021. Collection method: clinical testing. Allele origin: germline. Affected: yes.
Comment: Not observed at significant frequency in large population cohorts (gnomAD); In silico analysis supports that this missense variant does not alter protein structure/function; Observed in an individual with metastatic retroperitoneal paraganglioma (PMID: 33051659); This variant is associated with the following publications: (PMID: 33051659)

Baylor Genetics
Classification: Uncertain significance for Pheochromocytoma. Last evaluated: 2023-11-16. Review status: criteria provided, single submitter. Criteria: ACMG Guidelines, 2015. Collection method: clinical testing. Allele origin: unknown.

Quest Diagnostics Nichols Institute San Juan Capistrano
Classification: Uncertain significance. Last evaluated: 2023-05-10. Review status: criteria provided, single submitter. Criteria: Quest Diagnostics criteria. Collection method: clinical testing. Allele origin: unknown.
Comment: The frequency of this variant in the general population, 0.00003 (3/100470 chromosomes), is uninformative in assessment of its pathogenicity. In the published literature, the variant has been reported in an individual with retroperitoneal paraganglioma (RPPGL) (PMID: 33051659 (2021)). Analysis of this variant using bioinformatics tools for the prediction of the effect of amino acid changes on protein structure and function yielded predictions that this variant is benign. Based on the available information, we are unable to determine the clinical significance of this variant.

Literature cited by the submitters: PubMed 33051659 (cited by Labcorp Genetics (formerly Invitae), Labcorp and Quest Diagnostics Nichols Institute San Juan Capistrano).

NM_017849.4(TMEM127):c.154G>T (p.Ala52Ser)

Gene: TMEM127 (transmembrane protein 127; minus strand). Cytogenetic location: 2q11.2.
Variant type: single nucleotide variant.
Coding change: c.154G>T on transcript NM_017849.4 (MANE Select); coding-DNA position 154, G replaced by T.
Protein change: p.Ala52Ser; replaces alanine 52 with serine.
Molecular consequence: missense variant.
Genome position (GRCh38, 1-based): chr2:96,265,228, C>A on the plus strand (G>T on the coding strand, the complement: TMEM127 is on the minus strand). VCF-style: chr2-96265228-C-A. GRCh37 (hg19) VCF-style: chr2-96930966-C-A.
Other names: c.154G>T, p.Ala52Ser (NM_001193304.3); short protein forms A52S.
Identifiers: ClinVar variation 649518 (VCV000649518.13), dbSNP rs767257269, ClinGen allele CA1777389.
Genomic context (GRCh38, chr2:96,265,228, plus strand): 5'-ACACGTCGGAGACCCCCAGCTCCTGGCGCGAACAGGTGCCTCCGTGGATGTGCAACCAGG[C>A]GGGCTCGGCGAGGGCAGTGCACAGCGCCGTGATAGACAGGGCGCCAGGCAGGGCCGAGGC-3'
Protein context (NP_060319.1, residues 42-62): TALCTALAEP[Ala52Ser]WLHIHGGTCS